The following is an entry in ClinVar:

NM_001370298.3(FGD4):c.*2487C>A

Gene: FGD4 (FYVE, RhoGEF and PH domain containing 4; plus strand). Cytogenetic location: 12p11.21.
Variant type: single nucleotide variant.
Coding change: c.*2487C>A on transcript NM_001370298.3 (MANE Select); 2487 bases downstream of the stop codon, C replaced by A.
Molecular consequence: 3 prime UTR variant. On other transcripts: intron variant (3).
Genome position (GRCh38, 1-based): chr12:32,643,020, C>A. VCF-style: chr12-32643020-C-A. GRCh37 (hg19) VCF-style: chr12-32795954-C-A.
Other names: c.*2487C>A (NM_001304481.2, NM_001304484.2, NM_001330373.2 and 5 more transcripts); c.2633-1574C>A (NM_001384126.1); c.2222-1574C>A (NM_001384127.1, NM_001384128.1).
Identifiers: ClinVar variation 881891 (VCV000881891.35), dbSNP rs188600194, ClinGen allele CA235249796.

ClinVar aggregate classification (germline): Conflicting classifications of pathogenicity. Review status: criteria provided, conflicting classifications (1 of 4 stars). 3 submissions from 3 submitters: Uncertain significance (2); Likely benign (1). Last evaluated 2023-05-01.

Conditions:
Charcot-Marie-Tooth disease type 4H (CMT4H). Also called: CHARCOT-MARIE-TOOTH DISEASE, DEMYELINATING, TYPE 4H; CHARCOT-MARIE-TOOTH DISEASE, AUTOSOMAL RECESSIVE, TYPE 4H; CHARCOT-MARIE-TOOTH DISEASE, DEMYELINATING, AUTOSOMAL RECESSIVE, TYPE 4H; CHARCOT-MARIE-TOOTH NEUROPATHY, TYPE 4H. Identifiers: Orphanet 99954, MedGen C1836336, MONDO:0012250, OMIM 609311.

Allele frequency attached by ClinVar (database versions not stated): 1000 Genomes Project 30x 0.00156; 1000 Genomes Project 0.00180; gnomAD exomes 0.00234; TOPMed 0.00489; gnomAD 0.00491 and 0.00503.
gnomAD v4.1: 749 of 152,552 alleles (0.49%); highest among the groups gnomAD compares: Middle Eastern, 1%; 5 homozygotes.

Submissions (3):

CeGaT Center for Human Genetics Tuebingen
Classification: Likely benign. Last evaluated: 2023-05-01. Review status: criteria provided, single submitter. Criteria: CeGaT Center For Human Genetics Tuebingen Variant Classification Criteria Version 2. Collection method: clinical testing. Allele origin: germline. Affected: yes. Observed: 7 variant alleles.
Comment: FGD4: BS2

Illumina Laboratory Services, Illumina
Classification: Uncertain significance for Charcot-Marie-Tooth disease type 4H. Last evaluated: 2018-01-13. Review status: criteria provided, single submitter. Criteria: ICSL Variant Classification Criteria 13 December 2019. Collection method: clinical testing. Allele origin: germline.

Breakthrough Genomics
Classification: Uncertain significance. Review status: criteria provided, single submitter. Criteria: ACMG Guidelines, 2015. Collection method: not provided. Allele origin: germline. Inheritance: Autosomal recessive inheritance. Affected: yes.